The following is an entry in ClinVar:

ClinVar aggregate classification (germline): Uncertain significance (1 of 4 stars; one submission).

Submission:

GeneDx
Classification: Uncertain significance. Last evaluated: 2024-05-30. Review status: criteria provided, single submitter. Criteria: GeneDx Variant Classification Process June 2021. Collection method: clinical testing. Allele origin: germline. Affected: yes.
Comment: Not observed at significant frequency in large population cohorts (gnomAD); In silico analysis supports that this missense variant has a deleterious effect on protein structure/function; Has not been previously published as pathogenic or benign to our knowledge

NM_014515.7(CNOT2):c.1574C>T (p.Pro525Leu)

Gene: CNOT2 (CCR4-NOT transcription complex subunit 2; plus strand). Cytogenetic location: 12q15.
Variant type: single nucleotide variant.
Coding change: c.1574C>T on transcript NM_014515.7 (MANE Select); coding-DNA position 1574, C replaced by T.
Protein change: p.Pro525Leu; replaces proline 525 with leucine.
Molecular consequence: missense variant. On other transcripts: non-coding transcript variant (1).
Genome position (GRCh38, 1-based): chr12:70,353,866, C>T. VCF-style: chr12-70353866-C-T. GRCh37 (hg19) VCF-style: chr12-70747646-C-T.
Other names: c.1574C>T, p.Pro525Leu (NM_001199302.2, NM_001199303.2, NM_001414651.1); c.1565C>T, p.Pro522Leu (NM_001414652.1); c.1547C>T, p.Pro516Leu (NM_001414653.1, NM_001414654.1, NM_001414655.1); c.1532C>T, p.Pro511Leu (NM_001414656.1); c.1514C>T, p.Pro505Leu (NM_001414657.1, NM_001414658.1, NM_001414659.1 and 1 more transcripts); c.1451C>T, p.Pro484Leu (NM_001414661.1); c.1391C>T, p.Pro464Leu (NM_001414662.1); short protein forms P464L, P484L, P505L, P511L, P516L, P522L, P525L.
Identifiers: ClinVar variation 3383838 (VCV003383838.1).
Genomic context (GRCh38, chr12:70,353,866, plus strand): 5'-AATTCTTGAATTTGTTTTTATAGGAGTTCCATCTGGAATATGACAAATTAGAAGAACGGC[C>T]TCACCTGCCATCCACCTTCAACTACAACCCTGCTCAGCAAGCCTTCTAAAAAAAAAAAAA-3'
Protein context (NP_055330.1, residues 515-535): HLEYDKLEER[Pro525Leu]HLPSTFNYNP